The following is an entry in ClinVar:

ClinVar aggregate classification (germline): Uncertain significance (1 of 4 stars; one submission).

Conditions:
Developmental and epileptic encephalopathy, 23 (DEE23). Also called: Epileptic encephalopathy, early infantile, 23. Identifiers: Orphanet 411986, MedGen C4014492, MONDO:0014371, OMIM 615859.

Allele frequency attached by ClinVar (database versions not stated): gnomAD 0.00001; ExAC 0.00002; TOPMed 0.00002.
gnomAD v4.1: 11 of 1,613,764 alleles (0.00068%); highest among the groups gnomAD compares: Admixed American, 0.0033%; no homozygotes.

Submission:

Labcorp Genetics (formerly Invitae), Labcorp
Classification: Uncertain significance for Developmental and epileptic encephalopathy, 23. Last evaluated: 2022-09-07. Review status: criteria provided, single submitter. Criteria: Invitae Variant Classification Sherloc (09022015). Collection method: clinical testing. Allele origin: germline.
Comment: ClinVar contains an entry for this variant (Variation ID: 847836). In summary, the available evidence is currently insufficient to determine the role of this variant in disease. Therefore, it has been classified as a Variant of Uncertain Significance. Algorithms developed to predict the effect of missense changes on protein structure and function are either unavailable or do not agree on the potential impact of this missense change (SIFT: "Tolerated"; PolyPhen-2: "Probably Damaging"; Align-GVGD: "Class C0"). This variant has not been reported in the literature in individuals affected with DOCK7-related conditions. This variant is present in population databases (rs766018011, gnomAD 0.007%). This sequence change replaces arginine, which is basic and polar, with histidine, which is basic and polar, at codon 1181 of the DOCK7 protein (p.Arg1181His).

NM_001367561.1(DOCK7):c.3542G>A (p.Arg1181His)

Gene: DOCK7 (dedicator of cytokinesis 7; minus strand). Cytogenetic location: 1p31.3.
Variant type: single nucleotide variant.
Coding change: c.3542G>A on transcript NM_001367561.1 (MANE Select); coding-DNA position 3542, G replaced by A.
Protein change: p.Arg1181His; replaces arginine 1181 with histidine.
Molecular consequence: missense variant.
Genome position (GRCh38, 1-based): chr1:62,535,562, C>T on the plus strand (G>A on the coding strand, the complement: DOCK7 is on the minus strand). VCF-style: chr1-62535562-C-T. GRCh37 (hg19) VCF-style: chr1-63001233-C-T.
Other names: c.3542G>A, p.Arg1181His (NM_001271999.2, NM_001330614.2); c.3449G>A, p.Arg1150His (NM_001272000.2, NM_001272001.2, NM_033407.4); short protein forms R1181H, R1150H.
Identifiers: ClinVar variation 847836 (VCV000847836.10), dbSNP rs766018011, ClinGen allele CA885960.